The following is an entry in ClinVar:

ClinVar aggregate classification (germline): Benign (1 of 4 stars; one submission).

Allele frequency attached by ClinVar (database versions not stated): TOPMed 0.51559; gnomAD 0.52866; 1000 Genomes Project 0.57967; gnomAD exomes 0.58871.

Submission:

Unidad de Genómica Garrahan, Hospital de Pediatría Garrahan
Classification: Benign. Last evaluated: 2024-01-24. Review status: criteria provided, single submitter. Criteria: ACMG Guidelines, 2015. Collection method: clinical testing. Allele origin: germline. Affected: no. Observed: 51 variant alleles.
Comment: This variant is classified as Benign based on local population frequency. This variant was detected in 54% of patients studied by a panel of primary immunodeficiencies. Number of patients: 51. Only high quality variants are reported.

NM_005739.4(RASGRP1):c.850-100dup

Gene: RASGRP1 (RAS guanyl releasing protein 1; minus strand). Cytogenetic location: 15q14.
Variant type: Duplication.
Coding change: c.850-100dup on transcript NM_005739.4 (MANE Select); 100 bases into the intron before coding-DNA position 850, one base duplicated (T; older notation c.850-100dupT).
Molecular consequence: intron variant.
Genome position (GRCh38, 1-based): chr15:38,511,820, A duplicated on the plus strand (T on the coding strand, the reverse complement: RASGRP1 is on the minus strand). VCF-style (leftmost placement, unchanged base first): chr15-38511819-T-TA. GRCh37 (hg19) VCF-style: chr15-38804020-T-TA.
Other names: c.850-100dup (NM_001306086.2, NM_001128602.2).
Identifiers: ClinVar variation 2688101 (VCV002688101.2), dbSNP rs11413668, ClinGen allele CA268692075.